The following is an entry in ClinVar:

ClinVar aggregate classification (germline): Uncertain significance (1 of 4 stars; one submission).

Submission:

Ambry Genetics
Classification: Uncertain significance. Last evaluated: 2026-08-18. Review status: criteria provided, single submitter. Criteria: Ambry Variant Classification Scheme 2023. Collection method: clinical testing. Allele origin: germline.
Comment: The p.E219K variant (also known as c.655G>A), located in coding exon 1 of the TET2 gene, results from a G to A substitution at nucleotide position 655. The glutamic acid at codon 219 is replaced by lysine, an amino acid with similar properties. This amino acid position is conserved. In addition, the in silico prediction for this alteration is inconclusive. Based on the available evidence, the clinical significance of this variant remains unclear.

NM_001127208.3(TET2):c.655G>A (p.Glu219Lys)

Genes: TET2 (tet methylcytosine dioxygenase 2; plus strand), TET2-AS1 (TET2 antisense RNA 1; minus strand). Cytogenetic location: 4q24.
Variant type: single nucleotide variant.
Coding change: c.655G>A on transcript NM_001127208.3 (MANE Select); coding-DNA position 655, G replaced by A.
Protein change: p.Glu219Lys; replaces glutamic acid 219 with lysine.
Molecular consequence: missense variant.
Genome position (GRCh38, 1-based): chr4:105,234,597, G>A. VCF-style: chr4-105234597-G-A. GRCh37 (hg19) VCF-style: chr4-106155754-G-A.
Other names: c.655G>A, p.Glu219Lys (NM_017628.4); short protein forms E219K.
Identifiers: ClinVar variation 5030755 (VCV005030755.1).
Genomic context (GRCh38, chr4:105,234,597, plus strand): 5'-TTACTTAAAAACAAGGCAGTGCTAATGCCTAATGGTGCTACAGTTTCTGCCTCTTCCGTG[G>A]AACACACACATGGTGAACTCCTGGAAAAAACACTGTCTCAATATTATCCAGATTGTGTTT-3'
Protein context (NP_001120680.1, residues 209-229): NGATVSASSV[Glu219Lys]HTHGELLEKT